The following is an entry in ClinVar:

ClinVar aggregate classification (germline): Likely benign (1 of 4 stars; one submission).

Allele frequency attached by ClinVar (database versions not stated): gnomAD exomes 0.00033; gnomAD 0.00204; 1000 Genomes Project 0.00359; 1000 Genomes Project 30x 0.00390.
gnomAD v4.1: 383 of 358,680 alleles (0.11%); highest among the groups gnomAD compares: African/African-American, 0.75%; 2 homozygotes.

Submission:

CeGaT Center for Human Genetics Tuebingen
Classification: Likely benign. Last evaluated: 2024-06-01. Review status: criteria provided, single submitter. Criteria: CeGaT Center For Human Genetics Tuebingen Variant Classification Criteria Version 2. Collection method: clinical testing. Allele origin: germline. Affected: yes. Observed: 1 variant allele.
Comment: KCNQ1OT1: BS1

NM_000218.3(KCNQ1):c.1514+37569G>A

Genes: KCNQ1 (potassium voltage-gated channel subfamily Q member 1; plus strand), KCNQ1OT1 (KCNQ1 opposite strand/antisense transcript 1; minus strand). Cytogenetic location: 11p15.5.
Variant type: single nucleotide variant.
Coding change: c.1514+37569G>A on transcript NM_000218.3 (MANE Select); 37569 bases into the intron after coding-DNA position 1514, G replaced by A.
Molecular consequence: intron variant. On other transcripts: non-coding transcript variant (1).
Genome position (GRCh38, 1-based): chr11:2,699,650, G>A. VCF-style: chr11-2699650-G-A. GRCh37 (hg19) VCF-style: chr11-2720880-G-A.
Other names: c.1244+37569G>A (NM_001406837.1); c.1418+37569G>A (NM_001406836.1); c.974+37569G>A (NM_001406838.1); c.1133+37569G>A (NM_181798.2).
Identifiers: ClinVar variation 3250937 (VCV003250937.18), dbSNP rs562303169.
Genomic context (GRCh38, chr11:2,699,650, plus strand): 5'-AGAACCGCGGCGAGAGGCCCCCGGAGAGAACCGCGCCGAAGAACCCCCGGGGACAACCGC[G>A]CCGAAGAACCCCCGGGGAGAACCGCGCCGAAAAGCCCCGGGTGCCCCGAGGAGAACGGCG-3'